The following is an entry in ClinVar:

ClinVar aggregate classification (germline): Likely benign (0 of 4 stars; one submission).

Conditions:
GTF2IRD1-related disorder. Also called: GTF2IRD1-related condition.

Allele frequency attached by ClinVar (database versions not stated): gnomAD 0.00003; TOPMed 0.00005; ExAC 0.00006; gnomAD exomes 0.00012.

Submission:

PreventionGenetics, part of Exact Sciences
Classification: Likely benign for GTF2IRD1-related condition. Last evaluated: 2019-08-09. Review status: no assertion criteria provided. Collection method: clinical testing. Allele origin: germline.
Comment: This variant is classified as likely benign based on ACMG/AMP sequence variant interpretation guidelines (Richards et al. 2015 PMID: 25741868, with internal and published modifications).

NM_005685.4(GTF2IRD1):c.951C>A (p.Ile317=)

Gene: GTF2IRD1 (GTF2I repeat domain containing 1; plus strand). Cytogenetic location: 7q11.23.
Variant type: single nucleotide variant.
Coding change: c.951C>A on transcript NM_005685.4 (MANE Select); coding-DNA position 951, C replaced by A.
Protein change: p.Ile317=; no amino-acid change (isoleucine 317 retained).
Molecular consequence: synonymous variant.
Genome position (GRCh38, 1-based): chr7:74,521,242, C>A. VCF-style: chr7-74521242-C-A. GRCh37 (hg19) VCF-style: chr7-73935572-C-A.
Other names: c.1047C>A, p.Ile349= (NM_001199207.2); c.951C>A, p.Ile317= (NM_001410888.1, NM_016328.3).
Identifiers: ClinVar variation 3035187 (VCV003035187.2), dbSNP rs202009652, ClinGen allele CA4296669.